The following is an entry in ClinVar:

ClinVar aggregate classification (germline): Likely pathogenic (3 of 4 stars; one submission).

Conditions:
Open-angle glaucoma. Identifiers: MedGen C0017612, MONDO:0005338, HP:0012108.

Submission:

ClinGen Glaucoma Variant Curation Expert Panel
Classification: Likely pathogenic for Open-angle glaucoma. Last evaluated: 2026-01-12. Review status: reviewed by expert panel. Criteria: ClinGen Glaucoma ACMG Specifications V2.0.0 Approved. Collection method: curation. Allele origin: germline. Inheritance: Autosomal dominant inheritance.
Comment: The c.761C>T variant in MYOC is a missense variant predicted to cause substitution of Proline by Leucine at amino acid 254 (p.Pro254Leu). This variant was not found in any genetic ancestry group of gnomAD (v4.1.0), meeting the ≤ 0.0001 threshold set for PM2_Supporting in a genetic ancestry group of at least 10,000 alleles. The REVEL score = 0.925, which was within the 0.773-0.931 range for PP3_Moderate, predicting a damaging effect on MYOC function. The Pro254Leu protein had increased insolubility and reduced secretion levels compared to wild type myocilin protein in this study (PMID: 35196929). The assay met the OddsPath threshold for PS3_Moderate (> 4.3), indicating that this variant did impact protein function. A confirmed de novo proband with juvenile open angle glaucoma was identified (PMID: 27080696), meeting PS2_Moderate. However, as this was the only proband identified, the ≥ 2 probands threshold required to meet PS4_Supporting was not met. In summary, this variant met the criteria to receive a score of 8 and to be classified as likely pathogenic (likely pathogenic classification range 6 to 9, adapted from PMID: 32720330) for juvenile open angle glaucoma based on the ACMG/AMP criteria met, as specified by the ClinGen Glaucoma VCEP (v2.0.0, 5 Dec 2024): PS2_Moderate, PS3_Moderate, PP3_Moderate, PM2_Supporting, PM5_Supporting.

Literature cited by the submitters: PubMed 35196929.

NM_000261.2(MYOC):c.761C>T (p.Pro254Leu)

Gene: MYOC (myocilin; minus strand). Cytogenetic location: 1q24.3.
Variant type: single nucleotide variant.
Coding change: c.761C>T on transcript NM_000261.2 (MANE Select); coding-DNA position 761, C replaced by T.
Protein change: p.Pro254Leu; replaces proline 254 with leucine.
Molecular consequence: missense variant.
Genome position (GRCh38, 1-based): chr1:171,636,679, G>A on the plus strand (C>T on the coding strand, the complement: MYOC is on the minus strand). VCF-style: chr1-171636679-G-A. GRCh37 (hg19) VCF-style: chr1-171605819-G-A.
Other names: NM_000261.2:c.761C>T; short protein forms P254L.
Identifiers: ClinVar variation 1342967 (VCV001342967.4), dbSNP rs2102944853, ClinGen allele CA343726245.